The following is an entry in ClinVar:

NM_005732.4(RAD50):c.873G>T (p.Glu291Asp)

Gene: RAD50 (RAD50 double strand break repair protein; plus strand). Cytogenetic location: 5q31.1.
Variant type: single nucleotide variant.
Coding change: c.873G>T on transcript NM_005732.4 (MANE Select); coding-DNA position 873, G replaced by T.
Protein change: p.Glu291Asp; replaces glutamic acid 291 with aspartic acid.
Molecular consequence: missense variant.
Genome position (GRCh38, 1-based): chr5:132,587,678, G>T. VCF-style: chr5-132587678-G-T. GRCh37 (hg19) VCF-style: chr5-131923370-G-T.
Other names: short protein forms E291D.
Identifiers: ClinVar variation 484637 (VCV000484637.8), dbSNP rs1441715028, ClinGen allele CA360940576.
Genomic context (GRCh38, chr5:132,587,678, plus strand): 5'-AATTAAAGCCTTGGATAGCCGAAAGAAGCAAATGGAGAAAGATAATAGTGAACTGGAAGA[G>T]AAAATGGAAAAGGTTTGTGGTGGTAGAATTTTGTTCTGCTTCAAAATTTTGGGATTATTG-3'
Protein context (NP_005723.2, residues 281-301): QMEKDNSELE[Glu291Asp]KMEKVFQGTD

ClinVar aggregate classification (germline): Uncertain significance. Review status: criteria provided, multiple submitters, no conflicts (2 of 4 stars). 2 submissions from 2 submitters: Uncertain significance (2). Last evaluated 2023-07-12.

Conditions:
Hereditary cancer-predisposing syndrome. Also called: Neoplastic Syndromes, Hereditary; Tumor predisposition; Hereditary Cancer Syndrome; Hereditary neoplastic syndrome. Identifiers: Orphanet 140162, MedGen C0027672, MeSH D009386, MONDO:0015356.

Submissions (2):

Labcorp Genetics (formerly Invitae), Labcorp
Classification: Uncertain significance for Hereditary cancer-predisposing syndrome. Last evaluated: 2023-07-12. Review status: criteria provided, single submitter. Criteria: Invitae Variant Classification Sherloc (09022015). Collection method: clinical testing. Allele origin: germline.
Comment: In summary, the available evidence is currently insufficient to determine the role of this variant in disease. Therefore, it has been classified as a Variant of Uncertain Significance. Advanced modeling of protein sequence and biophysical properties (such as structural, functional, and spatial information, amino acid conservation, physicochemical variation, residue mobility, and thermodynamic stability) performed at Invitae indicates that this missense variant is not expected to disrupt RAD50 protein function. ClinVar contains an entry for this variant (Variation ID: 484637). This variant has not been reported in the literature in individuals affected with RAD50-related conditions. This variant is not present in population databases (gnomAD no frequency). This sequence change replaces glutamic acid, which is acidic and polar, with aspartic acid, which is acidic and polar, at codon 291 of the RAD50 protein (p.Glu291Asp).

Ambry Genetics
Classification: Uncertain significance for Hereditary cancer-predisposing syndrome. Last evaluated: 2016-03-03. Review status: criteria provided, single submitter. Criteria: Ambry Variant Classification Scheme 2023. Collection method: clinical testing. Allele origin: germline.
Comment: The p.E291D variant (also known as c.873G>T), located in coding exon 6 of the RAD50 gene, results from a G to T substitution at nucleotide position 873. The glutamic acid at codon 291 is replaced by aspartic acid, an amino acid with highly similar properties. This variant was not reported in population based cohorts in the following databases: Database of Single Nucleotide Polymorphisms (dbSNP), NHLBI Exome Sequencing Project (ESP), and 1000 Genomes Project. In the ESP, this variant was not observed in 6501 samples (13002 alleles) with coverage at this position. To date, this alteration has been detected with an allele frequency of approximately 0.001% (greater than 120000 alleles tested) in our clinical cohort. This amino acid position is poorly conserved in available vertebrate species. In addition, this alteration is predicted to be tolerated by in silico analysis. Since supporting evidence is limited at this time, the clinical significance of this alteration remains unclear.